The following is an entry in ClinVar:

NM_001010867.4(IBA57):c.931A>G (p.Arg311Gly)

Gene: IBA57 (iron-sulfur cluster assembly factor IBA57; plus strand). Cytogenetic location: 1q42.13.
Variant type: single nucleotide variant.
Coding change: c.931A>G on transcript NM_001010867.4 (MANE Select); coding-DNA position 931, A replaced by G.
Protein change: p.Arg311Gly; replaces arginine 311 with glycine.
Molecular consequence: missense variant.
Genome position (GRCh38, 1-based): chr1:228,175,373, A>G. VCF-style: chr1-228175373-A-G. GRCh37 (hg19) VCF-style: chr1-228363074-A-G.
Other names: c.352A>G, p.Arg118Gly (NM_001310327.2); short protein forms R118G, R311G.
Identifiers: ClinVar variation 2584814 (VCV002584814.1), dbSNP rs2527921159, ClinGen allele CA345116741.

ClinVar aggregate classification (germline): Uncertain significance (1 of 4 stars; one submission).

Conditions:
Hereditary spastic paraplegia 74. Also called: Spastic paraplegia 74, autosomal recessive. Identifiers: Orphanet 468661, MedGen C5568837, MONDO:0014644, OMIM 616451.

Submission:

Neuberg Centre For Genomic Medicine, NCGM
Classification: Uncertain significance for Hereditary spastic paraplegia 74. Review status: criteria provided, single submitter. Criteria: ACMG Guidelines, 2015. Collection method: clinical testing. Allele origin: germline. Inheritance: Autosomal recessive inheritance. Affected: yes.
Comment: The missense variant c.931A>G (p.Arg311Gly) in IBA57 gene has not been reported previously as a pathogenic variant nor as a benign variant, to our knowledge. The p.Arg311Gly variant is novel (not in any individuals) in gnomAD Exomes and 1000 Genomes. The amino acid Arg at position 311 is changed to a Gly changing protein sequence and it might alter its composition and physico-chemical properties. The amino acid change p.Arg311Gly in IBA57 is predicted as conserved by GERP++ and PhyloP across 100 vertebrates. For these reasons, this variant has been classified as Uncertain Significance.